The following is an entry in ClinVar:

NM_000091.5(COL4A3):c.766-5G>A

Genes: COL4A3 (collagen type IV alpha 3 chain; plus strand), MFF-DT (MFF divergent transcript; minus strand). Cytogenetic location: 2q36.3.
Variant type: single nucleotide variant.
Coding change: c.766-5G>A on transcript NM_000091.5 (MANE Select); 5 bases into the intron before coding-DNA position 766, G replaced by A.
Molecular consequence: intron variant.
Genome position (GRCh38, 1-based): chr2:227,254,107, G>A. VCF-style: chr2-227254107-G-A. GRCh37 (hg19) VCF-style: chr2-228118823-G-A.
Other names: c.766-5G>A (NM_000091.4).
Identifiers: ClinVar variation 1362430 (VCV001362430.12), dbSNP rs751236477, ClinGen allele CA2146364.

ClinVar aggregate classification (germline): Conflicting classifications of pathogenicity. Review status: criteria provided, conflicting classifications (1 of 4 stars). 4 submissions from 4 submitters: Uncertain significance (1); Likely benign (2). 1 of the submissions does not count toward it. Last evaluated 2025-07-28.

Conditions:
COL4A3-related disorder. Also called: COL4A3-related condition; COL4A3-Related Disorders.
Autosomal dominant Alport syndrome (ATS3A). Also called: ALPORT SYNDROME 3A, AUTOSOMAL DOMINANT; Alport syndrome dominant type; Renal failure and sensorineural hearing loss. Identifiers: Orphanet 63, Orphanet 88918, MedGen C5882663, MONDO:0007086, OMIM 104200.
Autosomal recessive Alport syndrome (ATS2). Also called: Alport syndrome type 2; COL4A3-Related Nephropathy; ALPORT SYNDROME 2, AUTOSOMAL RECESSIVE; COL4A4 Alport Syndrome and Thin Basement Membrane Nephropathy. Identifiers: Orphanet 63, Orphanet 88919, MedGen C4746745, MONDO:0008762, OMIM 203780.
Benign familial hematuria. Also called: thin basement membrane disease. Identifiers: MedGen C0241908, MONDO:0957317.

Allele frequency attached by ClinVar (database versions not stated): TOPMed 0.00002; ExAC 0.00006.
gnomAD v4.1: 34 of 1,613,432 alleles (0.0021%); highest among the groups gnomAD compares: Admixed American, 0.053%; no homozygotes.

Submissions (4):

Women's Health and Genetics/Laboratory Corporation of America, LabCorp
Classification: Likely benign. Last evaluated: 2025-07-28. Review status: criteria provided, single submitter. Criteria: LabCorp Variant Classification Summary - May 2015. Collection method: clinical testing. Allele origin: germline.

Labcorp Genetics (formerly Invitae), Labcorp
Classification: Likely benign. Last evaluated: 2025-06-13. Review status: criteria provided, single submitter. Criteria: Invitae Variant Classification Sherloc (09022015). Collection method: clinical testing. Allele origin: germline.

Fulgent Genetics
Classification: Uncertain significance for Autosomal dominant Alport syndrome; Hematuria, benign familial, 1; Autosomal recessive Alport syndrome. Last evaluated: 2022-02-26. Review status: criteria provided, single submitter. Criteria: ACMG Guidelines, 2015. Collection method: clinical testing. Allele origin: unknown.

PreventionGenetics, part of Exact Sciences
Classification: Uncertain significance for COL4A3-related condition. Last evaluated: 2024-01-09. Review status: no assertion criteria provided. Collection method: clinical testing. Allele origin: germline. Not counted in ClinVar's aggregate classification.
Comment: The COL4A3 c.766-5G>A variant is predicted to interfere with splicing. To our knowledge, this variant has not been reported in the literature. This variant is reported in 0.084% of alleles in individuals of Latino descent in gnomAD. At this time, the clinical significance of this variant is uncertain due to the absence of conclusive functional and genetic evidence.